The following is an entry in ClinVar:

NM_001278512.2(AP3B2):c.3293C>A (p.Ala1098Asp)

Genes: AP3B2 (adaptor related protein complex 3 subunit beta 2; minus strand), CPEB1-AS1 (CPEB1 antisense RNA 1; plus strand). Cytogenetic location: 15q25.2.
Variant type: single nucleotide variant.
Coding change: c.3293C>A on transcript NM_001278512.2 (MANE Select); coding-DNA position 3293, C replaced by A.
Protein change: p.Ala1098Asp; replaces alanine 1098 with aspartic acid.
Molecular consequence: missense variant.
Genome position (GRCh38, 1-based): chr15:82,659,573, G>T on the plus strand (C>A on the coding strand, the complement: AP3B2 is on the minus strand). VCF-style: chr15-82659573-G-T. GRCh37 (hg19) VCF-style: chr15-83328325-G-T.
Other names: c.3140C>A, p.Ala1047Asp (NM_001278511.2); c.425C>A, p.Ala142Asp (NM_001348441.2); c.3236C>A, p.Ala1079Asp (NM_004644.5); c.3236C>A (NM_004644.4); short protein forms A1098D, A1047D, A1079D, A142D.
Identifiers: ClinVar variation 1031454 (VCV001031454.8), dbSNP rs188892600, ClinGen allele CA7699645.

ClinVar aggregate classification (germline): Uncertain significance. Review status: criteria provided, multiple submitters, no conflicts (2 of 4 stars). 5 submissions from 5 submitters: Uncertain significance (5). Last evaluated 2026-06-15.

Conditions:
Developmental and epileptic encephalopathy, 48 (DEE48). Also called: Epileptic encephalopathy, early infantile, 48. Identifiers: MedGen C4310637, MONDO:0015000, OMIM 617276.
Inborn genetic diseases. Identifiers: MedGen C0950123, MeSH D030342.
AP3B2-related disorder. Also called: AP3B2-related condition.

Allele frequency attached by ClinVar (database versions not stated): gnomAD exomes 0.00004 and 0.00018; gnomAD 0.00009; ExAC 0.00013; TOPMed 0.00021; 1000 Genomes Project 30x 0.00031; 1000 Genomes Project 0.00040.
gnomAD v4.1: 85 of 1,613,908 alleles (0.0053%); highest among the groups gnomAD compares: Admixed American, 0.1%; no homozygotes.

Submissions (5):

PreventionGenetics, part of Exact Sciences
Classification: Uncertain significance for AP3B2-related condition. Last evaluated: 2026-06-15. Review status: criteria provided, single submitter. Criteria: ACMG Guidelines, 2015. Collection method: clinical testing. Allele origin: germline.
Comment: The AP3B2 c.3236C>A variant is predicted to result in the amino acid substitution p.Ala1079Asp. To our knowledge, this variant has not been reported in the literature. This variant is reported in 0.11% of alleles in individuals of Latino descent in gnomAD. Although we suspect that this variant may be benign, at this time, the clinical significance of this variant is uncertain due to the absence of conclusive functional and genetic evidence.

Ambry Genetics
Classification: Uncertain significance for Inborn genetic diseases. Last evaluated: 2025-03-05. Review status: criteria provided, single submitter. Criteria: Ambry Variant Classification Scheme 2023. Collection method: clinical testing. Allele origin: germline.

Labcorp Genetics (formerly Invitae), Labcorp
Classification: Uncertain significance. Last evaluated: 2024-12-16. Review status: criteria provided, single submitter. Criteria: Invitae Variant Classification Sherloc (09022015). Collection method: clinical testing. Allele origin: germline.
Comment: This sequence change replaces alanine, which is neutral and non-polar, with aspartic acid, which is acidic and polar, at codon 1079 of the AP3B2 protein (p.Ala1079Asp). This variant is present in population databases (rs188892600, gnomAD 0.1%). This variant has not been reported in the literature in individuals affected with AP3B2-related conditions. ClinVar contains an entry for this variant (Variation ID: 1031454). An algorithm developed to predict the effect of missense changes on protein structure and function (PolyPhen-2) suggests that this variant is likely to be disruptive. In summary, the available evidence is currently insufficient to determine the role of this variant in disease. Therefore, it has been classified as a Variant of Uncertain Significance.

Blueprint Genetics
Classification: Uncertain significance. Last evaluated: 2023-03-28. Review status: criteria provided, single submitter. Criteria: ACMG Guidelines, 2015. Collection method: clinical testing. Allele origin: germline.

Baylor Genetics
Classification: Uncertain significance for Developmental and epileptic encephalopathy, 48. Last evaluated: 2018-08-22. Review status: criteria provided, single submitter. Criteria: ACMG Guidelines, 2015. Collection method: clinical testing. Allele origin: paternal. Affected: yes.
Comment: This variant was determined to be of uncertain significance according to ACMG Guidelines, 2015 [PMID:25741868].